The following is an entry in ClinVar:

ClinVar aggregate classification (germline): Uncertain significance (1 of 4 stars; one submission).

Conditions:
Peripheral neuropathy-myopathy-hoarseness-hearing loss syndrome. Identifiers: Orphanet 397744, MedGen C3280556, MONDO:0013711, OMIM 614369.

Allele frequency attached by ClinVar (database versions not stated): gnomAD 0.00001; TOPMed 0.00002; ExAC 0.00003.
gnomAD v4.1: 7 of 1,578,820 alleles (0.00044%); highest among the groups gnomAD compares: East Asian, 0.0023%; no homozygotes.

Submission:

Centre for Mendelian Genomics, University Medical Centre Ljubljana
Classification: Uncertain significance for Peripheral neuropathy-myopathy-hoarseness-hearing loss syndrome. Last evaluated: 2019-10-02. Review status: criteria provided, single submitter. Criteria: ACMG Guidelines, 2015. Collection method: clinical testing. Allele origin: unknown. Affected: yes.
Comment: This variant was classified as: Uncertain significance. The available evidence on this variant's pathogenicity is insufficient or conflicting. The following ACMG criteria were applied in classifying this variant: PM2,PP3.

NM_001145809.2(MYH14):c.2347C>T (p.Arg783Trp)

Gene: MYH14 (myosin heavy chain 14; plus strand). Cytogenetic location: 19q13.33.
Variant type: single nucleotide variant.
Coding change: c.2347C>T on transcript NM_001145809.2 (MANE Select); coding-DNA position 2347, C replaced by T.
Protein change: p.Arg783Trp; replaces arginine 783 with tryptophan.
Molecular consequence: missense variant.
Genome position (GRCh38, 1-based): chr19:50,259,258, C>T. VCF-style: chr19-50259258-C-T. GRCh37 (hg19) VCF-style: chr19-50762515-C-T.
Other names: c.2248C>T, p.Arg750Trp (NM_001077186.2); c.2224C>T, p.Arg742Trp (NM_024729.4); short protein forms R742W, R750W, R783W.
Identifiers: ClinVar variation 930364 (VCV000930364.3), dbSNP rs747057989, ClinGen allele CA9592855.